The following is an entry in ClinVar:

NM_001377.3(DYNC2H1):c.1195dup (p.Ile399fs)

Gene: DYNC2H1 (dynein cytoplasmic 2 heavy chain 1; plus strand). Cytogenetic location: 11q22.3.
Variant type: Duplication.
Coding change: c.1195dup on transcript NM_001377.3 (MANE Select); coding-DNA position 1195, one base duplicated (A; older notation c.1195dupA).
Protein change: p.Ile399fs; shifts the reading frame from isoleucine 399.
Molecular consequence: frameshift variant.
Genome position (GRCh38, 1-based): chr11:103,120,749, A duplicated; the last of 6 consecutive A bases (chr11:103,120,744-103,120,749); duplicating any one gives the same sequence. VCF-style (leftmost placement, unchanged base first): chr11-103120743-C-CA. GRCh37 (hg19) VCF-style: chr11-102991472-C-CA.
Other names: c.1195dup, p.Ile399fs (NM_001080463.2); short protein forms I399fs.
Identifiers: ClinVar variation 2698841 (VCV002698841.4), dbSNP rs1187668418, ClinGen allele CA601669990.
Genomic context (GRCh38, chr11:103,120,743, plus strand): 5'-ATGTAGCCCTTGTGGAAAGCTGCGGTGTCTCAATATGAAAAGATTATTGCACCTGCGGAA[C>CA]AAAAAATAGCAGGAAAATTGAAAAATTATATTTCAGAAATTCAAGACAGTCCACAGCAGG-3'

ClinVar aggregate classification (germline): Pathogenic. Review status: criteria provided, multiple submitters, no conflicts (2 of 4 stars). 2 submissions from 2 submitters: Pathogenic (2). Last evaluated 2026-01-01.

Conditions:
Jeune thoracic dystrophy. Also called: Jeune syndrome; Infantile thoracic dystrophy; Thoracic pelvic phalangeal dystrophy; Jeune's syndrome; Chondroectodermal dysplasia-like syndrome; Short-rib thoracic dysplasia. Identifiers: Orphanet 474, MedGen C0265275, MONDO:0018770.
Asphyxiating thoracic dystrophy 3. Also called: Saldino-Noonan Syndrome; SHORT-RIB THORACIC DYSPLASIA 3 WITH OR WITHOUT POLYDACTYLY; POLYDACTYLY WITH NEONATAL CHONDRODYSTROPHY, TYPE I; SHORT-RIB THORACIC DYSPLASIA 3/6 WITH POLYDACTYLY, DIGENIC; Short rib polydactyly syndrome 2B. Identifiers: Orphanet 474, Orphanet 93269, Orphanet 93270, Orphanet 93271, MedGen C0036069, MONDO:0013127, OMIM 613091.

Submissions (2):

Myriad Genetics, Inc.
Classification: Pathogenic for Asphyxiating thoracic dystrophy 3. Last evaluated: 2026-01-01. Review status: criteria provided, single submitter. Criteria: Myriad Autosomal Dominant, Autosomal Recessive and X-Linked Classification Criteria (2023). Collection method: clinical testing. Allele origin: unknown.
Comment: NM_001377.2(DYNC2H1):c.1195dupA(I399Nfs*27) is expected to be pathogenic in the context of DYNC2H1-related disorders. This variant is predicted to lead to an abnormal or absent protein product due to the creation of a premature termination codon in DYNC2H1, a gene where loss-of-function variants are known to be pathogenic. Please note: this variant was assessed in the context of healthy population screening.

Labcorp Genetics (formerly Invitae), Labcorp
Classification: Pathogenic for Jeune thoracic dystrophy. Last evaluated: 2023-11-25. Review status: criteria provided, single submitter. Criteria: Invitae Variant Classification Sherloc (09022015). Collection method: clinical testing. Allele origin: germline.
Comment: This sequence change creates a premature translational stop signal (p.Ile399Asnfs*27) in the DYNC2H1 gene. It is expected to result in an absent or disrupted protein product. Loss-of-function variants in DYNC2H1 are known to be pathogenic (PMID: 23339108, 32753734, 33755199). This variant is present in population databases (no rsID available, gnomAD 0.001%). This variant has not been reported in the literature in individuals affected with DYNC2H1-related conditions. For these reasons, this variant has been classified as Pathogenic.

Literature cited by the submitters: PubMed 23339108 (cited by Labcorp Genetics (formerly Invitae), Labcorp); PubMed 32753734 (cited by Labcorp Genetics (formerly Invitae), Labcorp); PubMed 33755199 (cited by Labcorp Genetics (formerly Invitae), Labcorp).